The following is an entry in ClinVar:

NM_033109.5(PNPT1):c.454-264C>G

Gene: PNPT1 (polyribonucleotide nucleotidyltransferase 1; minus strand). Cytogenetic location: 2p16.1.
Variant type: single nucleotide variant.
Coding change: c.454-264C>G on transcript NM_033109.5 (MANE Select); 264 bases into the intron before coding-DNA position 454, C replaced by G.
Molecular consequence: intron variant.
Genome position (GRCh38, 1-based): chr2:55,681,182, G>C on the plus strand (C>G on the coding strand, the complement: PNPT1 is on the minus strand). VCF-style: chr2-55681182-G-C. GRCh37 (hg19) VCF-style: chr2-55908317-G-C.
Identifiers: ClinVar variation 684381 (VCV000684381.1), dbSNP rs782619, ClinGen allele CA11318883.

ClinVar aggregate classification (germline): Benign (1 of 4 stars; one submission).

Allele frequency attached by ClinVar (database versions not stated): 1000 Genomes Project 0.33187; 1000 Genomes Project 30x 0.33542; TOPMed 0.43262.
gnomAD v4.1: 67,346 of 151,824 alleles (44%); highest among the groups gnomAD compares: Non-Finnish European, 51%; 15,736 homozygotes.

Submission:

GeneDx
Classification: Benign. Last evaluated: 2018-06-14. Review status: criteria provided, single submitter. Criteria: GeneDx Variant Classification (06012015). Collection method: clinical testing. Allele origin: germline. Affected: yes.
Comment: This variant is considered likely benign or benign based on one or more of the following criteria: it is a conservative change, it occurs at a poorly conserved position in the protein, it is predicted to be benign by multiple in silico algorithms, and/or has population frequency not consistent with disease.